The following is an entry in ClinVar:

ClinVar aggregate classification (germline): Uncertain significance (1 of 4 stars; one submission).

Submission:

Ambry Genetics
Classification: Uncertain significance. Last evaluated: 2021-10-06. Review status: criteria provided, single submitter. Criteria: Ambry Variant Classification Scheme 2023. Collection method: clinical testing. Allele origin: germline.
Comment: The p.P888L variant (also known as c.2663C>T), located in coding exon 4 of the ALPK2 gene, results from a C to T substitution at nucleotide position 2663. The proline at codon 888 is replaced by leucine, an amino acid with similar properties. This amino acid position is conserved. In addition, this alteration is predicted to be tolerated by in silico analysis. Since supporting evidence is limited at this time, the clinical significance of this alteration remains unclear.

NM_052947.4(ALPK2):c.2663C>T (p.Pro888Leu)

Gene: ALPK2 (alpha kinase 2; minus strand). Cytogenetic location: 18q21.31.
Variant type: single nucleotide variant.
Coding change: c.2663C>T on transcript NM_052947.4 (MANE Select); coding-DNA position 2663, C replaced by T.
Protein change: p.Pro888Leu; replaces proline 888 with leucine.
Molecular consequence: missense variant.
Genome position (GRCh38, 1-based): chr18:58,537,524, G>A on the plus strand (C>T on the coding strand, the complement: ALPK2 is on the minus strand). VCF-style: chr18-58537524-G-A. GRCh37 (hg19) VCF-style: chr18-56204756-G-A.
Other names: short protein forms P888L.
Identifiers: ClinVar variation 1794473 (VCV001794473.2), dbSNP rs2518877414, ClinGen allele CA402570043.